The following is an entry in ClinVar:

ClinVar aggregate classification (germline): Benign (0 of 4 stars; one submission).

Conditions:
CPZ-related disorder. Also called: CPZ-related condition.

Allele frequency attached by ClinVar (database versions not stated): 1000 Genomes Project 30x 0.00109; 1000 Genomes Project 0.00120; gnomAD 0.00229; TOPMed 0.00230; ExAC 0.00248; ESP Exome Variant Server 0.00361; gnomAD exomes 0.00364.
gnomAD v4.1: 5,731 of 1,613,424 alleles (0.36%); highest among the groups gnomAD compares: East Asian, 0.5%; 16 homozygotes.

Submission:

PreventionGenetics, part of Exact Sciences
Classification: Benign for CPZ-related condition. Last evaluated: 2019-11-26. Review status: no assertion criteria provided. Collection method: clinical testing. Allele origin: germline.
Comment: This variant is classified as benign based on ACMG/AMP sequence variant interpretation guidelines (Richards et al. 2015 PMID: 25741868, with internal and published modifications).

NM_001014447.3(CPZ):c.231C>T (p.Ser77=)

Gene: CPZ (carboxypeptidase Z; plus strand). Cytogenetic location: 4p16.1.
Variant type: single nucleotide variant.
Coding change: c.231C>T on transcript NM_001014447.3 (MANE Select); coding-DNA position 231, C replaced by T.
Protein change: p.Ser77=; no amino-acid change (serine 77 retained).
Molecular consequence: synonymous variant. On other transcripts: 5 prime UTR variant (1).
Genome position (GRCh38, 1-based): chr4:8,601,232, C>T. VCF-style: chr4-8601232-C-T. GRCh37 (hg19) VCF-style: chr4-8602959-C-T.
Other names: c.-181C>T (NM_001014448.3); c.198C>T, p.Ser66= (NM_003652.4).
Identifiers: ClinVar variation 3044860 (VCV003044860.2), dbSNP rs150089485, ClinGen allele CA2853082.